The following is an entry in ClinVar:

ClinVar aggregate classification (germline): Conflicting classifications of pathogenicity. Review status: criteria provided, conflicting classifications (1 of 4 stars). 2 submissions from 2 submitters: Uncertain significance (1); Benign (1). Last evaluated 2025-04-09.

Conditions:
Long QT syndrome (LQTS). Identifiers: MedGen C0023976, MeSH D008133, MONDO:0002442. Disease mechanism: loss of function. Inheritance: Various modes of inheritance.
Cardiovascular phenotype. Identifiers: MedGen CN230736.

Allele frequency attached by ClinVar (database versions not stated): TOPMed 0.00003; gnomAD 0.00005; 1000 Genomes Project 30x 0.00016; 1000 Genomes Project 0.00020.
gnomAD v4.1: 21 of 1,610,504 alleles (0.0013%); highest among the groups gnomAD compares: East Asian, 0.045%; no homozygotes.

Submissions (2):

Labcorp Genetics (formerly Invitae), Labcorp
Classification: Uncertain significance for Long QT syndrome. Last evaluated: 2025-04-09. Review status: criteria provided, single submitter. Criteria: Invitae Variant Classification Sherloc (09022015). Collection method: clinical testing. Allele origin: germline.
Comment: This sequence change replaces threonine, which is neutral and polar, with isoleucine, which is neutral and non-polar, at codon 309 of the SNTA1 protein (p.Thr309Ile). This variant is present in population databases (rs200709948, gnomAD 0.09%), and has an allele count higher than expected for a pathogenic variant. This variant has not been reported in the literature in individuals affected with SNTA1-related conditions. ClinVar contains an entry for this variant (Variation ID: 518819). Invitae Evidence Modeling of protein sequence and biophysical properties (such as structural, functional, and spatial information, amino acid conservation, physicochemical variation, residue mobility, and thermodynamic stability) indicates that this missense variant is not expected to disrupt SNTA1 protein function with a negative predictive value of 80%. In summary, the available evidence is currently insufficient to determine the role of this variant in disease. Therefore, it has been classified as a Variant of Uncertain Significance.

Ambry Genetics
Classification: Benign for Cardiovascular phenotype. Last evaluated: 2022-04-12. Review status: criteria provided, single submitter. Criteria: Ambry Variant Classification Scheme 2023. Collection method: clinical testing. Allele origin: germline.

NM_003098.3(SNTA1):c.926C>T (p.Thr309Ile)

Gene: SNTA1 (syntrophin alpha 1; minus strand). Cytogenetic location: 20q11.21.
Variant type: single nucleotide variant.
Coding change: c.926C>T on transcript NM_003098.3 (MANE Select); coding-DNA position 926, C replaced by T.
Protein change: p.Thr309Ile; replaces threonine 309 with isoleucine.
Molecular consequence: missense variant.
Genome position (GRCh38, 1-based): chr20:33,412,410, G>A on the plus strand (C>T on the coding strand, the complement: SNTA1 is on the minus strand). VCF-style: chr20-33412410-G-A. GRCh37 (hg19) VCF-style: chr20-32000216-G-A.
Other names: short protein forms T309I.
Identifiers: ClinVar variation 518819 (VCV000518819.14), dbSNP rs200709948, ClinGen allele CA9817092.